The following is an entry in ClinVar:

ClinVar aggregate classification (germline): Uncertain significance (1 of 4 stars; one submission).

Submission:

Labcorp Genetics (formerly Invitae), Labcorp
Classification: Uncertain significance. Last evaluated: 2024-01-20. Review status: criteria provided, single submitter. Criteria: Invitae Variant Classification Sherloc (09022015). Collection method: clinical testing. Allele origin: germline.
Comment: This sequence change replaces threonine, which is neutral and polar, with isoleucine, which is neutral and non-polar, at codon 557 of the DHX32 protein (p.Thr557Ile). This variant is not present in population databases (gnomAD no frequency). This variant has not been reported in the literature in individuals affected with DHX32-related conditions. Algorithms developed to predict the effect of missense changes on protein structure and function output the following: SIFT: "Not Available"; PolyPhen-2: "Benign"; Align-GVGD: "Not Available". The isoleucine amino acid residue is found in multiple mammalian species, which suggests that this missense change does not adversely affect protein function. In summary, the available evidence is currently insufficient to determine the role of this variant in disease. Therefore, it has been classified as a Variant of Uncertain Significance.

NM_018180.3(DHX32):c.1670C>T (p.Thr557Ile)

Genes: BCCIP (BRCA2 and CDKN1A interacting protein; plus strand), DHX32 (DEAH-box helicase 32 (putative); minus strand). Cytogenetic location: 10q26.2.
Variant type: single nucleotide variant.
Coding change: c.1670C>T on transcript NM_018180.3 (MANE Select); coding-DNA position 1670, C replaced by T.
Protein change: p.Thr557Ile; replaces threonine 557 with isoleucine.
Molecular consequence: missense variant. On other transcripts: intron variant (2).
Genome position (GRCh38, 1-based): chr10:125,840,870, G>A on the plus strand (C>T on the coding strand, the complement: DHX32 is on the minus strand). VCF-style: chr10-125840870-G-A. GRCh37 (hg19) VCF-style: chr10-127529439-G-A.
Other names: c.775-385G>A (NM_016567.4, NM_078469.3); short protein forms T557I.
Identifiers: ClinVar variation 2710471 (VCV002710471.3), dbSNP rs2494378904, ClinGen allele CA378673385.